The following is an entry in ClinVar:

NM_001018005.2(TPM1):c.241-1G>C

Gene: TPM1 (tropomyosin 1; plus strand). Cytogenetic location: 15q22.2.
Variant type: single nucleotide variant.
Coding change: c.241-1G>C on transcript NM_001018005.2 (MANE Select); the canonical splice acceptor site of the intron before coding-DNA position 241, G replaced by C.
Molecular consequence: splice acceptor variant.
Genome position (GRCh38, 1-based): chr15:63,056,984, G>C. VCF-style: chr15-63056984-G-C. GRCh37 (hg19) VCF-style: chr15-63349183-G-C.
Other names: c.367-1G>C (NM_001365778.1, NM_001407323.1, NM_001407322.1 and 1 more transcripts); c.241-1G>C (NM_001407336.1, NM_001018020.2, NM_001407338.1 and 20 more transcripts); c.133-1G>C (NM_001330351.2, NM_001330344.2, NM_001018008.2 and 9 more transcripts).
Identifiers: ClinVar variation 1312045 (VCV001312045.2), dbSNP rs111234645, ClinGen allele CA272031583.

ClinVar aggregate classification (germline): Uncertain significance (1 of 4 stars; one submission).

Allele frequency attached by ClinVar (database versions not stated): gnomAD exomes below 0.00001.
gnomAD v4.1: 1 of 1,614,140 alleles (0.000062%); highest among the groups gnomAD compares: Non-Finnish European, 0.000085%; no homozygotes.

Submission:

GeneDx
Classification: Uncertain significance. Last evaluated: 2019-09-03. Review status: criteria provided, single submitter. Criteria: GeneDx Variant Classification Process June 2021. Collection method: clinical testing. Allele origin: germline. Affected: yes.
Comment: Not observed at a significant frequency in large population cohorts (Lek et al., 2016); Canonical splice site variant in a gene for which loss-of-function is not a known mechanism of disease; Has not been previously published as pathogenic or benign to our knowledge